The following is an entry in ClinVar:

ClinVar aggregate classification (germline): Uncertain significance (1 of 4 stars; one submission).

Submission:

Labcorp Genetics (formerly Invitae), Labcorp
Classification: Uncertain significance. Last evaluated: 2024-06-30. Review status: criteria provided, single submitter. Criteria: Invitae Variant Classification Sherloc (09022015). Collection method: clinical testing. Allele origin: germline.
Comment: This sequence change replaces glutamic acid, which is acidic and polar, with glutamine, which is neutral and polar, at codon 201 of the ATP6AP1 protein (p.Glu201Gln). This variant is not present in population databases (gnomAD no frequency). This variant has not been reported in the literature in individuals affected with ATP6AP1-related conditions. An algorithm developed to predict the effect of missense changes on protein structure and function (PolyPhen-2) suggests that this variant is likely to be disruptive. In summary, the available evidence is currently insufficient to determine the role of this variant in disease. Therefore, it has been classified as a Variant of Uncertain Significance.

NM_001183.6(ATP6AP1):c.601G>C (p.Glu201Gln)

Gene: ATP6AP1 (ATPase H+ transporting accessory protein 1; plus strand). Cytogenetic location: Xq28.
Variant type: single nucleotide variant.
Coding change: c.601G>C on transcript NM_001183.6 (MANE Select); coding-DNA position 601, G replaced by C.
Protein change: p.Glu201Gln; replaces glutamic acid 201 with glutamine.
Molecular consequence: missense variant.
Genome position (GRCh38, 1-based): chrX:154,433,637, G>C. VCF-style: chrX-154433637-G-C. GRCh37 (hg19) VCF-style: chrX-153661983-G-C.
Other names: short protein forms E201Q.
Identifiers: ClinVar variation 3638541 (VCV003638541.2).